The following is an entry in ClinVar:

ClinVar aggregate classification (germline): Uncertain significance (1 of 4 stars; one submission).

Submission:

Labcorp Genetics (formerly Invitae), Labcorp
Classification: Uncertain significance. Last evaluated: 2022-09-13. Review status: criteria provided, single submitter. Criteria: Invitae Variant Classification Sherloc (09022015). Collection method: clinical testing. Allele origin: germline.
Comment: This variant has not been reported in the literature in individuals affected with IL6ST-related conditions. In summary, the available evidence is currently insufficient to determine the role of this variant in disease. Therefore, it has been classified as a Variant of Uncertain Significance. This sequence change replaces aspartic acid, which is acidic and polar, with glutamic acid, which is acidic and polar, at codon 276 of the IL6ST protein (p.Asp276Glu). This variant is not present in population databases (gnomAD no frequency). Algorithms developed to predict the effect of missense changes on protein structure and function are either unavailable or do not agree on the potential impact of this missense change (SIFT: "Tolerated"; PolyPhen-2: "Possibly Damaging"; Align-GVGD: "Class C0").

NM_002184.4(IL6ST):c.828C>G (p.Asp276Glu)

Gene: IL6ST (interleukin 6 cytokine family signal transducer; minus strand). Cytogenetic location: 5q11.2.
Variant type: single nucleotide variant.
Coding change: c.828C>G on transcript NM_002184.4 (MANE Select); coding-DNA position 828, C replaced by G.
Protein change: p.Asp276Glu; replaces aspartic acid 276 with glutamic acid.
Molecular consequence: missense variant. On other transcripts: 5 prime UTR variant (3), non-coding transcript variant (2).
Genome position (GRCh38, 1-based): chr5:55,960,547, G>C on the plus strand (C>G on the coding strand, the complement: IL6ST is on the minus strand). VCF-style: chr5-55960547-G-C. GRCh37 (hg19) VCF-style: chr5-55256375-G-C.
Other names: c.828C>G, p.Asp276Glu (NM_001190981.2, NM_001364275.2, NM_175767.3); c.618C>G, p.Asp206Glu (NM_001364276.2); c.-86C>G (NM_001364277.2, NM_001364279.2); c.-76C>G (NM_001364278.2); short protein forms D206E, D276E.
Identifiers: ClinVar variation 1719332 (VCV001719332.5), dbSNP rs2111746419, ClinGen allele CA359765639.